The following is an entry in ClinVar:

ClinVar aggregate classification (germline): Conflicting classifications of pathogenicity. Review status: criteria provided, conflicting classifications (1 of 4 stars). 4 submissions from 4 submitters: Uncertain significance (2); Likely benign (2). Last evaluated 2026-01-06.

Conditions:
Microcephaly 3, primary, autosomal recessive. Identifiers: Orphanet 2512, MedGen C1858108, MONDO:0011488, OMIM 604804.
CDK5RAP2-related disorder. Also called: CDK5RAP2-related condition.

Allele frequency attached by ClinVar (database versions not stated): ExAC 0.00030; ESP Exome Variant Server 0.00031; gnomAD 0.00042; gnomAD exomes 0.00043 and 0.00055; TOPMed 0.00052; 1000 Genomes Project 0.00060; 1000 Genomes Project 30x 0.00078.
gnomAD v4.1: 869 of 1,614,150 alleles (0.054%); highest among the groups gnomAD compares: Admixed American, 0.11%; 1 homozygote.

Submissions (4):

PreventionGenetics, part of Exact Sciences
Classification: Likely benign for CDK5RAP2-related condition. Last evaluated: 2026-01-06. Review status: criteria provided, single submitter. Criteria: ACMG Guidelines, 2015. Collection method: clinical testing. Allele origin: germline.
Comment: This variant is classified as likely benign based on ACMG/AMP sequence variant interpretation guidelines (Richards et al. 2015 PMID: 25741868, with internal and published modifications).

Blueprint Genetics
Classification: Likely benign. Last evaluated: 2024-08-05. Review status: criteria provided, single submitter. Criteria: ACMG Guidelines, 2015. Collection method: clinical testing. Allele origin: germline.

Labcorp Genetics (formerly Invitae), Labcorp
Classification: Uncertain significance. Last evaluated: 2022-07-27. Review status: criteria provided, single submitter. Criteria: Invitae Variant Classification Sherloc (09022015). Collection method: clinical testing. Allele origin: germline.
Comment: This sequence change replaces threonine, which is neutral and polar, with isoleucine, which is neutral and non-polar, at codon 980 of the CDK5RAP2 protein (p.Thr980Ile). This variant is present in population databases (rs145948550, gnomAD 0.2%). This variant has not been reported in the literature in individuals affected with CDK5RAP2-related conditions. ClinVar contains an entry for this variant (Variation ID: 913033). Algorithms developed to predict the effect of missense changes on protein structure and function output the following: SIFT: "Tolerated"; PolyPhen-2: "Possibly Damaging"; Align-GVGD: "Class C0". The isoleucine amino acid residue is found in multiple mammalian species, which suggests that this missense change does not adversely affect protein function. In summary, the available evidence is currently insufficient to determine the role of this variant in disease. Therefore, it has been classified as a Variant of Uncertain Significance.

Illumina Laboratory Services, Illumina
Classification: Uncertain significance for Microcephaly 3, primary, autosomal recessive. Last evaluated: 2018-01-12. Review status: criteria provided, single submitter. Criteria: ICSL Variant Classification Criteria 13 December 2019. Collection method: clinical testing. Allele origin: germline.

NM_018249.6(CDK5RAP2):c.2939C>T (p.Thr980Ile)

Gene: CDK5RAP2 (CDK5 regulatory subunit associated protein 2; minus strand). Cytogenetic location: 9q33.2.
Variant type: single nucleotide variant.
Coding change: c.2939C>T on transcript NM_018249.6 (MANE Select); coding-DNA position 2939, C replaced by T.
Protein change: p.Thr980Ile; replaces threonine 980 with isoleucine.
Molecular consequence: missense variant. On other transcripts: non-coding transcript variant (5).
Genome position (GRCh38, 1-based): chr9:120,447,981, G>A on the plus strand (C>T on the coding strand, the complement: CDK5RAP2 is on the minus strand). VCF-style: chr9-120447981-G-A. GRCh37 (hg19) VCF-style: chr9-123210259-G-A.
Other names: c.2939C>T, p.Thr980Ile (NM_001011649.3); c.2249C>T, p.Thr750Ile (NM_001272039.2); short protein forms T980I, T750I.
Identifiers: ClinVar variation 913033 (VCV000913033.7), dbSNP rs145948550, ClinGen allele CA5213955.